The following is an entry in ClinVar:

NM_000465.4(BARD1):c.159-1G>T

Gene: BARD1 (BRCA1 associated RING domain 1; minus strand). Cytogenetic location: 2q35.
Variant type: single nucleotide variant.
Coding change: c.159-1G>T on transcript NM_000465.4 (MANE Select); the canonical splice acceptor site of the intron before coding-DNA position 159, G replaced by T.
Molecular consequence: splice acceptor variant. On other transcripts: intron variant (2).
Genome position (GRCh38, 1-based): chr2:214,797,118, C>A on the plus strand (G>T on the coding strand, the complement: BARD1 is on the minus strand). VCF-style: chr2-214797118-C-A. GRCh37 (hg19) VCF-style: chr2-215661842-C-A.
Other names: c.158+12294G>T (NM_001282548.2); c.159-4673G>T (NM_001282543.2); c.159-1G>T (NM_001282545.2, NM_001282549.2).
Identifiers: ClinVar variation 246176 (VCV000246176.65), dbSNP rs879254139, ClinGen allele CA10584184.

ClinVar aggregate classification (germline): Pathogenic/Likely pathogenic. Review status: criteria provided, multiple submitters, no conflicts (2 of 4 stars). 14 submissions from 14 submitters: Pathogenic (6); Likely pathogenic (7). 1 of the submissions does not count toward it. Last evaluated 2025-12-08.

Conditions:
Hereditary cancer-predisposing syndrome. Also called: Tumor predisposition; Hereditary Cancer Syndrome; Neoplastic Syndromes, Hereditary; Hereditary neoplastic syndrome. Identifiers: Orphanet 140162, MedGen C0027672, MeSH D009386, MONDO:0015356.
Hereditary breast ovarian cancer syndrome. Also called: Hereditary breast and ovarian cancer; Hereditary breast and ovarian cancer syndrome; Hereditary breast and ovarian cancer syndrome (HBOC); Breast and ovarian cancer; Hereditary breast and/or ovarian cancer syndrome; BRCA1- and BRCA2-Associated Hereditary Breast and Ovarian Cancer. Identifiers: Orphanet 145, MedGen C0677776, MeSH D061325, MONDO:0003582. Disease mechanism: loss of function.
Familial cancer of breast. Also called: hereditary breast carcinoma; BREAST CANCER, FAMILIAL; Hereditary breast cancer. Identifiers: Orphanet 227535, MedGen C0346153, MONDO:0016419, OMIM 114480. Disease mechanism: loss of function.

gnomAD v4.1: 10 of 1,611,792 alleles (0.00062%); highest among the groups gnomAD compares: Non-Finnish European, 0.00085%; no homozygotes.

Submissions 1 to 6 of 14:

Color Diagnostics, LLC DBA Color Health
Classification: Pathogenic for Hereditary cancer-predisposing syndrome. Last evaluated: 2025-12-08. Review status: criteria provided, single submitter. Criteria: ACMG Guidelines, 2015. Collection method: clinical testing. Allele origin: germline.
Comment: This variant causes a G to T nucleotide substitution at the -1 position of intron 1 of the BARD1 gene. An RNA study has reported two aberrant transcripts found uniquely in carrier and absent in healthy control that are expected to produce absent or non-functional protein product (PMID: 31843900). This variant also has been reported individuals affected with breast and ovarian cancer (PMID: 31036035, 31843900, 33471991). This variant has not been identified in the general population by the Genome Aggregation Database (gnomAD). Loss of BARD1 function is a known mechanism of disease. Based on the available evidence, this variant is classified as Pathogenic.

Labcorp Genetics (formerly Invitae), Labcorp
Classification: Pathogenic for Familial cancer of breast. Last evaluated: 2025-10-29. Review status: criteria provided, single submitter. Criteria: Invitae Variant Classification Sherloc (09022015). Collection method: clinical testing. Allele origin: germline.
Comment: This sequence change affects an acceptor splice site in intron 1 of the BARD1 gene. It is expected to disrupt RNA splicing. Variants that disrupt the donor or acceptor splice site typically lead to a loss of protein function (PMID: 16199547), and loss-of-function variants in BARD1 are known to be pathogenic (PMID: 20077502, 21344236). This variant is not present in population databases (gnomAD no frequency). Disruption of this splice site has been observed in individual(s) with breast cancer, ovarian or prostate cancer (PMID: 31036035, 31843900). ClinVar contains an entry for this variant (Variation ID: 246176). Studies have shown that disruption of this splice site is associated with altered splicing resulting in multiple RNA products (PMID: 31843900; internal data). For these reasons, this variant has been classified as Pathogenic.

CeGaT Center for Human Genetics Tuebingen
Classification: Likely pathogenic. Last evaluated: 2025-10-01. Review status: criteria provided, single submitter. Criteria: CeGaT Center For Human Genetics Tuebingen Variant Classification Criteria Version 2. Collection method: clinical testing. Allele origin: germline. Affected: yes. Observed: 7 variant alleles.
Comment: BARD1: PVS1:Strong, PM2, PS4:Moderate

Women's Health and Genetics/Laboratory Corporation of America, LabCorp
Classification: Pathogenic for Hereditary breast ovarian cancer syndrome. Last evaluated: 2025-09-22. Review status: criteria provided, single submitter. Criteria: LabCorp Variant Classification Summary - May 2015. Collection method: clinical testing. Allele origin: germline.
Comment: Variant summary: BARD1 c.159-1G>T is located in a canonical splice-site and is predicted to affect mRNA splicing resulting in a significantly altered protein due to either exon skipping, shortening, or inclusion of intronic material. Variants that disrupt the consensus splice site are a relatively common cause of aberrant splicing and loss of BARD1 function. Several computational tools predict a significant impact on normal splicing: Three predict the variant abolishes a 3' acceptor site. At least one publication reports experimental evidence that this variant affects mRNA splicing (Casadei_2019). The variant was absent in 251128 control chromosomes. c.159-1G>T has been observed in individual(s) affected with Hereditary Breast And Ovarian Cancer Syndrome (Casadei_2019, Weber-Lassalle_2019). These data indicate that the variant may be associated with disease. The following publications have been ascertained in the context of this evaluation (PMID: 31843900, 31036035).ClinVar contains an entry for this variant (Variation ID: 246176). Based on the evidence outlined above, the variant was classified as pathogenic.

Ambry Genetics
Classification: Likely pathogenic for Hereditary cancer-predisposing syndrome. Last evaluated: 2025-09-08. Review status: criteria provided, single submitter. Criteria: Ambry Variant Classification Scheme 2023. Collection method: clinical testing. Allele origin: germline.
Comment: The c.159-1G>T intronic variant results from a G to T substitution one nucleotide upstream from coding exon 2 of the BARD1 gene. Alterations that disrupt the canonical splice site are expected to result in aberrant splicing. In silico splice site analysis predicts that this alteration will weaken the native splice acceptor site. RNA studies have demonstrated that this alteration results in abnormal splicing in the set of samples tested (Ambry internal data). A published RNA study also identified abnormal splicing associated with this variant (Casadei S et al. Proc Natl Acad Sci U S A, 2019 Dec). The resulting transcript is predicted to be in-frame and is not expected to trigger nonsense-mediated mRNAdecay; however, direct evidence is unavailable. The exact functional effect of the altered amino acid sequence is unknown; however, the impacted region is critical for protein function (Ambry internal data). In one study, this alteration was detected in 1/4469 German breast cancer patients (Weber-Lassalle N et al. Breast Cancer Res., 2019 04;21:55). This variant is considered to be rare based on population cohorts in the Genome Aggregation Database (gnomAD). This nucleotide position is highly conserved in available vertebrate species. Based on the majority of available evidence to date, this variant is likely to be pathogenic.

German Consortium for Hereditary Breast and Ovarian Cancer, University Hospital Cologne
Classification: Likely pathogenic for Hereditary breast ovarian cancer syndrome. Last evaluated: 2024-07-09. Review status: criteria provided, single submitter. Criteria: ACMG Guidelines, 2015. Collection method: curation. Allele origin: germline.
Comment: According to the ACMG SVI adaptation criteria we chose these criteria: PVS1 (strong pathogenic): Transcript ENST00000260947 does not undergo NMD and reading frame is preserved. Skipped exon is considered disease relevant region.Truncated exon overlaps the following clinically significant domains: RING in BARD1. ENST00000619009: PVS1 strong applies: Transcript ENST00000619009 does not undergo NMD and reading frame is preserved. Skipped exon is considered disease relevant region.Truncated exon overlaps the following clinically significant domains: RING in BARD1. ENST00000613706: PVS1 strong applies: Transcript ENST00000613706 does not undergo NMD and reading frame is preserved. Skipped exon is considered disease relevant region.Truncated exon overlaps the following clinically significant domains: RING in BARD1. ENST00000421162: PVS1 strong applies: Transcript ENST00000421162 does not undergo NMD and reading frame is preserved. Skipped exon is considered disease relevant region.Truncated exon overlaps the following clinically significant domains: RING in BARD1. ENST00000620057: PVS1 strong applies: Transcript ENST00000620057 does not undergo NMD and reading frame is preserved. Skipped exon is considered disease relevant region.Truncated exon overlaps the following clinically significant domains: RING in BARD1. ENST00000455743: PVS1 strong applies: Transcript ENST00000455743 does not undergo NMD and reading frame is preserved. Skipped exon is considered disease relevant region.Truncated exon overlaps the following clinically significant domains: RING in BARD1. , PS4 (supporting pathogenic): 5X in GC-HBOC in BRIDGES 1X in 53.000 controls and 3X in 60466 BC cases, PM2 (supporting pathogenic): Variant is absent from gnomAD.; Based on evidence we decided that these criteria can not be selected: BP3 (supporting benign): Transcript ENST00000260947 does not carry variant of exonic or intronic variant type. ENST00000619009: BP3 does not applies: Transcript ENST00000619009 does not carry variant of exonic or intronic variant type. ENST00000613706: BP3 does not applies: Transcript ENST00000613706 does not carry variant of exonic or intronic variant type. ENST00000421162: BP3 does not applies: Transcript ENST00000421162 does not carry variant of exonic or intronic variant type. ENST00000620057: BP3 does not applies: Transcript ENST00000620057 does not carry variant of exonic or intronic variant type. ENST00000455743: BP3 does not applies: Transcript ENST00000455743 does not carry variant of exonic or intronic variant type. , BP4 (supporting benign): Variant is not predicted to have no splicing effect by SpliceAI., BP7 (supporting benign): BP7 does not apply to this variant, as BP7 does not apply to variant types upstream_gene_variant, non_coding_transcript_variant, nmd_transcript_variant, intron_variant, splice_acceptor_variant., BS1 (strong benign): Variant does not occur in gnomAD, allele frequency in gnomAD is assumed to be 0., BA1 (stand-alone benign): Variant occures with 0 in gnomAD subpopulation None.